The following is an entry in ClinVar:

ClinVar aggregate classification (germline): Uncertain significance (1 of 4 stars; one submission).

gnomAD v4.1: 1 of 1,614,116 alleles (0.000062%); highest among the groups gnomAD compares: Non-Finnish European, 0.000085%; no homozygotes.

Submission:

Women's Health and Genetics/Laboratory Corporation of America, LabCorp
Classification: Uncertain significance. Last evaluated: 2024-05-16. Review status: criteria provided, single submitter. Criteria: LabCorp Variant Classification Summary - May 2015. Collection method: clinical testing. Allele origin: germline.
Comment: Variant summary: SYNE1 c.11073T>G (p.Ser3691Arg) results in a non-conservative amino acid change in the encoded protein sequence. Four of five in-silico tools predict a benign effect of the variant on protein function. The variant allele was found at a frequency of 4e-06 in 251398 control chromosomes. The available data on variant occurrences in the general population are insufficient to allow any conclusion about variant significance. To our knowledge, no occurrence of c.11073T>G in individuals affected with SYNE1-Related Disorders and no experimental evidence demonstrating its impact on protein function have been reported. No submitters have cited clinical-significance assessments for this variant to ClinVar. Based on the evidence outlined above, the variant was classified as uncertain significance.

NM_182961.4(SYNE1):c.11118T>G (p.Ser3706Arg)

Gene: SYNE1 (spectrin repeat containing nuclear envelope protein 1; minus strand). Cytogenetic location: 6q25.2.
Variant type: single nucleotide variant.
Coding change: c.11118T>G on transcript NM_182961.4 (MANE Select); coding-DNA position 11118, T replaced by G.
Protein change: p.Ser3706Arg; replaces serine 3706 with arginine.
Molecular consequence: missense variant.
Genome position (GRCh38, 1-based): chr6:152,353,398, A>C on the plus strand (T>G on the coding strand, the complement: SYNE1 is on the minus strand). VCF-style: chr6-152353398-A-C. GRCh37 (hg19) VCF-style: chr6-152674533-A-C.
Other names: c.11073T>G, p.Ser3691Arg (NM_033071.5); short protein forms S3691R, S3706R.
Identifiers: ClinVar variation 3336532 (VCV003336532.1).